The following is an entry in ClinVar:

NM_017763.6(RNF43):c.2209C>G (p.Pro737Ala)

Gene: RNF43 (ring finger protein 43; minus strand). Cytogenetic location: 17q22.
Variant type: single nucleotide variant.
Coding change: c.2209C>G on transcript NM_017763.6 (MANE Select); coding-DNA position 2209, C replaced by G.
Protein change: p.Pro737Ala; replaces proline 737 with alanine.
Molecular consequence: missense variant.
Genome position (GRCh38, 1-based): chr17:58,357,567, G>C on the plus strand (C>G on the coding strand, the complement: RNF43 is on the minus strand). VCF-style: chr17-58357567-G-C. GRCh37 (hg19) VCF-style: chr17-56434928-G-C.
Other names: c.2209C>G, p.Pro737Ala (NM_001305544.3); c.1828C>G, p.Pro610Ala (NM_001305545.2); short protein forms P610A, P737A.
Identifiers: ClinVar variation 3434542 (VCV003434542.1).

ClinVar aggregate classification (germline): Uncertain significance (1 of 4 stars; one submission).

Submission:

Ambry Genetics
Classification: Uncertain significance. Last evaluated: 2024-12-06. Review status: criteria provided, single submitter. Criteria: Ambry Variant Classification Scheme 2023. Collection method: clinical testing. Allele origin: germline.
Comment: The p.P737A variant (also known as c.2209C>G), located in coding exon 8 of the RNF43 gene, results from a C to G substitution at nucleotide position 2209. The proline at codon 737 is replaced by alanine, an amino acid with highly similar properties. This amino acid position is conserved. In addition, this alteration is predicted to be tolerated by in silico analysis. Based on the available evidence, the clinical significance of this variant remains unclear.